The following is an entry in ClinVar:

ClinVar aggregate classification (germline): Uncertain significance. Review status: criteria provided, multiple submitters, no conflicts (2 of 4 stars). 3 submissions from 3 submitters: Uncertain significance (3). Last evaluated 2025-11-20.

Conditions:
Inborn genetic diseases. Identifiers: MedGen C0950123, MeSH D030342.
Hypophosphatemic rickets, autosomal recessive, 1 (ARHR1). Also called: HYPOPHOSPHATEMIA, AUTOSOMAL RECESSIVE. Identifiers: Orphanet 289176, MedGen C4551495, MONDO:0009430, OMIM 241520. Disease mechanism: loss of function.

Allele frequency attached by ClinVar (database versions not stated): gnomAD 0.00002; TOPMed 0.00003.
gnomAD v4.1: 15 of 1,614,064 alleles (0.00093%); highest among the groups gnomAD compares: Non-Finnish European, 0.0013%; no homozygotes.

Submissions (3):

Ambry Genetics
Classification: Uncertain significance for Inborn genetic diseases. Last evaluated: 2025-11-20. Review status: criteria provided, single submitter. Criteria: Ambry Variant Classification Scheme 2023. Collection method: clinical testing. Allele origin: germline.

Fulgent Genetics
Classification: Uncertain significance for Hypophosphatemic rickets, autosomal recessive, 1. Last evaluated: 2024-05-27. Review status: criteria provided, single submitter. Criteria: ACMG Guidelines, 2015. Collection method: clinical testing. Allele origin: germline.

Labcorp Genetics (formerly Invitae), Labcorp
Classification: Uncertain significance. Last evaluated: 2022-05-10. Review status: criteria provided, single submitter. Criteria: Invitae Variant Classification Sherloc (09022015). Collection method: clinical testing. Allele origin: germline.
Comment: This sequence change replaces aspartic acid, which is acidic and polar, with glutamic acid, which is acidic and polar, at codon 405 of the DMP1 protein (p.Asp405Glu). This variant is not present in population databases (gnomAD no frequency). This variant has not been reported in the literature in individuals affected with DMP1-related conditions. Algorithms developed to predict the effect of missense changes on protein structure and function are either unavailable or do not agree on the potential impact of this missense change (SIFT: "Tolerated"; PolyPhen-2: "Not Available"; Align-GVGD: "Class C0"). In summary, the available evidence is currently insufficient to determine the role of this variant in disease. Therefore, it has been classified as a Variant of Uncertain Significance.

NM_004407.4(DMP1):c.1215C>G (p.Asp405Glu)

Genes: DMP1-AS1 (DMP1 and DSPP antisense RNA 1; minus strand), DMP1 (dentin matrix acidic phosphoprotein 1; plus strand). Cytogenetic location: 4q22.1.
Variant type: single nucleotide variant.
Coding change: c.1215C>G on transcript NM_004407.4 (MANE Select); coding-DNA position 1215, C replaced by G.
Protein change: p.Asp405Glu; replaces aspartic acid 405 with glutamic acid.
Molecular consequence: missense variant.
Genome position (GRCh38, 1-based): chr4:87,662,993, C>G. VCF-style: chr4-87662993-C-G. GRCh37 (hg19) VCF-style: chr4-88584145-C-G.
Other names: c.1167C>G, p.Asp389Glu (NM_001079911.3); c.1215C>G (NM_004407.3); short protein forms D405E, D389E.
Identifiers: ClinVar variation 1992761 (VCV001992761.3), dbSNP rs907677714, ClinGen allele CA101381882.
Genomic context (GRCh38, chr4:87,662,993, plus strand): 5'-GGAGGACAGCTCGCACACACTCTCCCACTCAAAAAGTGAATCCAGAGAGGAGCAAGCAGA[C>G]AGCGAATCCAGTGAGAGCCTCAACTTCTCAGAGGAAAGCCCGGAGTCCCCTGAGGATGAG-3'
Protein context (NP_004398.1, residues 395-415): SKSESREEQA[Asp405Glu]SESSESLNFS